The following is an entry in ClinVar:

ClinVar aggregate classification (germline): Uncertain significance (1 of 4 stars; one submission).

Conditions:
Lipodystrophy, partial, acquired, susceptibility to (APLD). Also called: APLD, SUSCEPTIBILITY TO. Identifiers: MedGen C3887501, MONDO:0100476, OMIM 608709.
Progressive myoclonic epilepsy type 9. Identifiers: Orphanet 457265, MedGen C4225289, MONDO:0014685, OMIM 616540.

Allele frequency attached by ClinVar (database versions not stated): gnomAD 0.00001; gnomAD exomes 0.00001 and 0.00003; TOPMed 0.00001.

Submission:

Labcorp Genetics (formerly Invitae), Labcorp
Classification: Uncertain significance for Epilepsy, progressive myoclonic, 9; Lipodystrophy, partial, acquired, susceptibility to. Last evaluated: 2018-03-05. Review status: criteria provided, single submitter. Criteria: Invitae Variant Classification Sherloc (09022015). Collection method: clinical testing. Allele origin: germline.
Comment: This sequence change replaces alanine with valine at codon 192 of the LMNB2 protein (p.Ala192Val). The alanine residue is highly conserved and there is a small physicochemical difference between alanine and valine. This variant is not present in population databases (ExAC no frequency). This variant has not been reported in the literature in individuals with LMNB2-related disease. Algorithms developed to predict the effect of missense changes on protein structure and function (SIFT, PolyPhen-2, Align-GVGD) all suggest that this variant is likely to be tolerated, but these predictions have not been confirmed by published functional studies and their clinical significance is uncertain. In summary, the available evidence is currently insufficient to determine the role of this variant in disease. Therefore, it has been classified as a Variant of Uncertain Significance.

NM_032737.4(LMNB2):c.575C>T (p.Ala192Val)

Gene: LMNB2 (lamin B2; minus strand). Cytogenetic location: 19p13.3.
Variant type: single nucleotide variant.
Coding change: c.575C>T on transcript NM_032737.4 (MANE Select); coding-DNA position 575, C replaced by T.
Protein change: p.Ala192Val; replaces alanine 192 with valine.
Molecular consequence: missense variant.
Genome position (GRCh38, 1-based): chr19:2,438,272, G>A on the plus strand (C>T on the coding strand, the complement: LMNB2 is on the minus strand). VCF-style: chr19-2438272-G-A. GRCh37 (hg19) VCF-style: chr19-2438270-G-A.
Other names: short protein forms A192V.
Identifiers: ClinVar variation 565970 (VCV000565970.1), dbSNP rs1389587109, ClinGen allele CA403257318.